The following is an entry in ClinVar:

ClinVar aggregate classification (germline): Uncertain significance (1 of 4 stars; one submission).

Conditions:
Mosaic variegated aneuploidy syndrome 2 (MVA2). Identifiers: Orphanet 1052, MedGen C3279843, MONDO:0013582, OMIM 614114.

Allele frequency attached by ClinVar (database versions not stated): TOPMed 0.00001.

Submission:

Labcorp Genetics (formerly Invitae), Labcorp
Classification: Uncertain significance for Mosaic variegated aneuploidy syndrome 2. Last evaluated: 2021-11-12. Review status: criteria provided, single submitter. Criteria: Invitae Variant Classification Sherloc (09022015). Collection method: clinical testing. Allele origin: germline.
Comment: In summary, the available evidence is currently insufficient to determine the role of this variant in disease. Therefore, it has been classified as a Variant of Uncertain Significance. Variants that disrupt the consensus splice site are a relatively common cause of aberrant splicing (PMID: 17576681, 9536098). Algorithms developed to predict the effect of sequence changes on RNA splicing suggest that this variant may disrupt the consensus splice site. This variant has not been reported in the literature in individuals affected with CEP57-related conditions. This variant is not present in population databases (gnomAD no frequency). This sequence change falls in intron 4 of the CEP57 gene. It does not directly change the encoded amino acid sequence of the CEP57 protein. It affects a nucleotide within the consensus splice site.

Literature cited by the submitters: PubMed 17576681; PubMed 9536098.

NM_014679.5(CEP57):c.504+5G>A

Gene: CEP57 (centrosomal protein 57; plus strand). Cytogenetic location: 11q21.
Variant type: single nucleotide variant.
Coding change: c.504+5G>A on transcript NM_014679.5 (MANE Select); 5 bases into the intron after coding-DNA position 504, G replaced by A.
Molecular consequence: intron variant.
Genome position (GRCh38, 1-based): chr11:95,813,594, G>A. VCF-style: chr11-95813594-G-A. GRCh37 (hg19) VCF-style: chr11-95546758-G-A.
Other names: c.423+5G>A (NM_001363604.2); c.477+5G>A (NM_001243776.2); c.504+5G>A (NM_001243777.2).
Identifiers: ClinVar variation 1515897 (VCV001515897.6), dbSNP rs1252981393, ClinGen allele CA682168252.